The following is an entry in ClinVar:

NM_198576.4(AGRN):c.3033C>T (p.Thr1011=)

Gene: AGRN (agrin; plus strand). Cytogenetic location: 1p36.33.
Variant type: single nucleotide variant.
Coding change: c.3033C>T on transcript NM_198576.4 (MANE Select); coding-DNA position 3033, C replaced by T.
Protein change: p.Thr1011=; no amino-acid change (threonine 1011 retained).
Molecular consequence: synonymous variant.
Genome position (GRCh38, 1-based): chr1:1,046,518, C>T. VCF-style: chr1-1046518-C-T. GRCh37 (hg19) VCF-style: chr1-981898-C-T.
Other names: c.3033C>T (NM_198576.3); c.3033C>T, p.Thr1011= (NM_001305275.2); c.2718C>T, p.Thr906= (NM_001364727.2).
Identifiers: ClinVar variation 1111865 (VCV001111865.9), dbSNP rs377422616, ClinGen allele CA508921.

ClinVar aggregate classification (germline): Likely benign. Review status: criteria provided, single submitter (1 of 4 stars). 2 submissions from 2 submitters: Likely benign (1). 1 of the submissions does not count toward it. Last evaluated 2025-12-01.

Conditions:
AGRN-related disorder. Also called: AGRN-related condition.
Congenital myasthenic syndrome 8. Also called: Myasthenic syndrome, congenital, 8, with pre- and postsynaptic defects; MYASTHENIC SYNDROME, CONGENITAL, DUE TO AGRIN DEFICIENCY. Identifiers: Orphanet 590, MedGen C3808739, MONDO:0014052, OMIM 615120.

Allele frequency attached by ClinVar (database versions not stated): gnomAD exomes 0.00006; ExAC 0.00008; gnomAD 0.00008 and 0.00009; 1000 Genomes Project 30x 0.00016; 1000 Genomes Project 0.00020.
gnomAD v4.1: 39 of 1,610,410 alleles (0.0024%); highest among the groups gnomAD compares: African/African-American, 0.016%; no homozygotes.

Submissions (2):

Labcorp Genetics (formerly Invitae), Labcorp
Classification: Likely benign for Congenital myasthenic syndrome 8. Last evaluated: 2025-12-01. Review status: criteria provided, single submitter. Criteria: Invitae Variant Classification Sherloc (09022015). Collection method: clinical testing. Allele origin: germline.

PreventionGenetics, part of Exact Sciences
Classification: Likely benign for AGRN-related condition. Last evaluated: 2021-04-06. Review status: no assertion criteria provided. Collection method: clinical testing. Allele origin: germline. Not counted in ClinVar's aggregate classification.
Comment: This variant is classified as likely benign based on ACMG/AMP sequence variant interpretation guidelines (Richards et al. 2015 PMID: 25741868, with internal and published modifications).